The following is an entry in ClinVar:

ClinVar aggregate classification (germline): Uncertain significance. Review status: criteria provided, multiple submitters, no conflicts (2 of 4 stars). 2 submissions from 2 submitters: Uncertain significance (2). Last evaluated 2023-08-21.

Conditions:
PLXNA3-related disorder. Also called: PLXNA3-related condition.

Allele frequency attached by ClinVar (database versions not stated): ExAC 0.00002; gnomAD exomes 0.00002; TOPMed 0.00004; ESP Exome Variant Server 0.00009.
gnomAD v4.1: 26 of 1,209,666 alleles (0.0021%); highest among the groups gnomAD compares: Non-Finnish European, 0.0029%; no homozygotes.

Submissions (2):

PreventionGenetics, part of Exact Sciences
Classification: Uncertain significance for PLXNA3-related condition. Last evaluated: 2023-08-21. Review status: criteria provided, single submitter. Criteria: ACMG Guidelines, 2015. Collection method: clinical testing. Allele origin: germline.
Comment: The PLXNA3 c.2282T>C variant is predicted to result in the amino acid substitution p.Leu761Pro. To our knowledge, this variant has not been reported in the literature. This variant is reported in 0.0037% of alleles in individuals of European (Non-Finnish) descent in gnomAD. At this time, the clinical significance of this variant is uncertain due to the absence of conclusive functional and genetic evidence.

Ambry Genetics
Classification: Uncertain significance. Last evaluated: 2023-05-05. Review status: criteria provided, single submitter. Criteria: Ambry Variant Classification Scheme 2023. Collection method: clinical testing. Allele origin: germline.

NM_017514.5(PLXNA3):c.2282T>C (p.Leu761Pro)

Gene: PLXNA3 (plexin A3; plus strand). Cytogenetic location: Xq28.
Variant type: single nucleotide variant.
Coding change: c.2282T>C on transcript NM_017514.5 (MANE Select); coding-DNA position 2282, T replaced by C.
Protein change: p.Leu761Pro; replaces leucine 761 with proline.
Molecular consequence: missense variant.
Genome position (GRCh38, 1-based): chrX:154,465,461, T>C. VCF-style: chrX-154465461-T-C. GRCh37 (hg19) VCF-style: chrX-153693804-T-C.
Other names: short protein forms L761P.
Identifiers: ClinVar variation 2545041 (VCV002545041.3), dbSNP rs375752173, ClinGen allele CA10564333.